The following is an entry in ClinVar:

ClinVar aggregate classification (germline): Likely pathogenic (1 of 4 stars; one submission).

Conditions:
Autosomal recessive limb-girdle muscular dystrophy type 2J (LGMDR10). Also called: Limb-girdle muscular dystrophy, type 2J; MUSCULAR DYSTROPHY, LIMB-GIRDLE, AUTOSOMAL RECESSIVE 10. Identifiers: Orphanet 140922, MedGen C1837342, MONDO:0012127, OMIM 608807.
Dilated cardiomyopathy 1G (CMD1G). Identifiers: Orphanet 154, MedGen C1858763, MONDO:0011400, OMIM 604145.

Submission:

Labcorp Genetics (formerly Invitae), Labcorp
Classification: Likely pathogenic for Dilated cardiomyopathy 1G; Autosomal recessive limb-girdle muscular dystrophy type 2J. Last evaluated: 2025-05-09. Review status: criteria provided, single submitter. Criteria: Invitae Variant Classification Sherloc (09022015). Collection method: clinical testing. Allele origin: germline.
Comment: This sequence change creates a premature translational stop signal (p.Arg16866Glufs*20) in the TTN gene. While this is not anticipated to result in nonsense mediated decay, it is expected to create a truncated TTN protein. This variant is not present in population databases (gnomAD no frequency). This variant has not been reported in the literature in individuals affected with TTN-related conditions. This variant is located in the A band of TTN (PMID: 25589632). Truncating variants in this region are significantly overrepresented in patients affected with dilated cardiomyopathy (PMID: 25589632). Truncating variants in this region have also been reported in individuals affected with autosomal recessive centronuclear myopathy (PMID: 23975875). In summary, the currently available evidence indicates that the variant is pathogenic, but additional data are needed to prove that conclusively. Therefore, this variant has been classified as Likely Pathogenic.

Literature cited by the submitters: PubMed 25589632; PubMed 23975875.

NM_001267550.2(TTN):c.50595del (p.Arg16866fs)

Genes: TTN-AS1 (TTN antisense RNA 1; plus strand), TTN (titin; minus strand). Cytogenetic location: 2q31.2.
Variant type: Deletion.
Coding change: c.50595del on transcript NM_001267550.2 (MANE Select); coding-DNA position 50595, one base deleted (G; older notation c.50595delG).
Protein change: p.Arg16866fs; shifts the reading frame from arginine 16866.
Molecular consequence: frameshift variant.
Genome position (GRCh38, 1-based): chr2:178,611,634, C deleted on the plus strand (G on the coding strand, the reverse complement: TTN is on the minus strand); the first of 3 consecutive C bases (chr2:178,611,634-178,611,636); deleting any one gives the same sequence. VCF-style (leftmost placement, unchanged base first): chr2-178611633-TC-T. GRCh37 (hg19) VCF-style: chr2-179476360-TC-T.
Other names: c.45672del, p.Arg15225fs (NM_001256850.1); c.23400del, p.Arg7801fs (NM_003319.4); c.42891del, p.Arg14298fs (NM_133378.4); c.23775del, p.Arg7926fs (NM_133432.3); c.23976del, p.Arg7993fs (NM_133437.4); short protein forms R16866fs, R7993fs, R7801fs, R15225fs, R7926fs, R14298fs.
Identifiers: ClinVar variation 4784954 (VCV004784954.1).